The following is an entry in ClinVar:

NM_017654.4(SAMD9):c.2221T>C (p.Cys741Arg)

Gene: SAMD9 (sterile alpha motif domain containing 9; minus strand). Cytogenetic location: 7q21.2.
Variant type: single nucleotide variant.
Coding change: c.2221T>C on transcript NM_017654.4 (MANE Select); coding-DNA position 2221, T replaced by C.
Protein change: p.Cys741Arg; replaces cysteine 741 with arginine.
Molecular consequence: missense variant.
Genome position (GRCh38, 1-based): chr7:93,103,877, A>G on the plus strand (T>C on the coding strand, the complement: SAMD9 is on the minus strand). VCF-style: chr7-93103877-A-G. GRCh37 (hg19) VCF-style: chr7-92733190-A-G.
Other names: c.2221T>C, p.Cys741Arg (NM_001193307.2); c.2221T>C (NM_017654.3); short protein forms C741R.
Identifiers: ClinVar variation 2123896 (VCV002123896.2), dbSNP rs1791581633, ClinGen allele CA368192092.

ClinVar aggregate classification (germline): Uncertain significance. Review status: criteria provided, multiple submitters, no conflicts (2 of 4 stars). 2 submissions from 2 submitters: Uncertain significance (2). Last evaluated 2024-12-16.

Conditions:
Inborn genetic diseases. Identifiers: MedGen C0950123, MeSH D030342.

Allele frequency attached by ClinVar (database versions not stated): gnomAD exomes below 0.00001; TOPMed below 0.00001; gnomAD 0.00001.
gnomAD v4.1: 2 of 1,613,890 alleles (0.00012%); highest among the groups gnomAD compares: Non-Finnish European, 0.00017%; no homozygotes.

Submissions (2):

Ambry Genetics
Classification: Uncertain significance for Inborn genetic diseases. Last evaluated: 2024-12-16. Review status: criteria provided, single submitter. Criteria: Ambry Variant Classification Scheme 2023. Collection method: clinical testing. Allele origin: germline.
Comment: The p.C741R variant (also known as c.2221T>C), located in coding exon 1 of the SAMD9 gene, results from a T to C substitution at nucleotide position 2221. The cysteine at codon 741 is replaced by arginine, an amino acid with highly dissimilar properties. This amino acid position is conserved. In addition, this alteration is predicted to be deleterious by in silico analysis. Based on the available evidence, the clinical significance of this variant remains unclear.

Labcorp Genetics (formerly Invitae), Labcorp
Classification: Uncertain significance. Last evaluated: 2022-04-09. Review status: criteria provided, single submitter. Criteria: Invitae Variant Classification Sherloc (09022015). Collection method: clinical testing. Allele origin: germline.
Comment: This sequence change replaces cysteine, which is neutral and slightly polar, with arginine, which is basic and polar, at codon 741 of the SAMD9 protein (p.Cys741Arg). This variant is not present in population databases (gnomAD no frequency). This variant has not been reported in the literature in individuals affected with SAMD9-related conditions. Algorithms developed to predict the effect of missense changes on protein structure and function are either unavailable or do not agree on the potential impact of this missense change (SIFT: "Deleterious"; PolyPhen-2: "Probably Damaging"; Align-GVGD: "Class C0"). In summary, the available evidence is currently insufficient to determine the role of this variant in disease. Therefore, it has been classified as a Variant of Uncertain Significance.